The following is an entry in ClinVar:

NM_000518.4(HBB):c.320T>A (p.Leu107Gln)

Genes: HBB (hemoglobin subunit beta; minus strand), LOC107133510 (origin of replication at HBB; plus strand), LOC110006319 (beta-globin gene 3' regulatory region; plus strand). Cytogenetic location: 11p15.4.
Variant type: single nucleotide variant.
Coding change: c.320T>A on transcript NM_000518.4; coding-DNA position 320, T replaced by A.
Protein change: p.Leu107Gln; replaces leucine 107 with glutamine.
Molecular consequence: missense variant (on NM_000518.5).
Genome position (GRCh38, 1-based): chr11:5,225,722, A>T on the plus strand (T>A on the coding strand, the complement: HBB is on the minus strand). VCF-style: chr11-5225722-A-T. GRCh37 (hg19) VCF-style: chr11-5246952-A-T.
Other names: L106Q; Hb Tübingen; c.320T>A, p.Leu107Gln (NM_000518.5); short protein forms L107Q.
Identifiers: ClinVar variation 15378 (VCV000015378.4), dbSNP rs33941844, ClinGen allele CA125215.

ClinVar aggregate classification (germline): Pathogenic. Review status: criteria provided, single submitter (1 of 4 stars). 2 submissions from 2 submitters: Pathogenic (1). 1 of the submissions does not count toward it. Last evaluated 2023-05-20.

Conditions:
METHEMOGLOBINEMIA, BETA TYPE. Also called: Methemoglobinemia, beta-globin type. Identifiers: MedGen C1840779, OMIM 617971.

Submissions (2):

Neuberg Centre For Genomic Medicine, NCGM
Classification: Pathogenic for METHEMOGLOBINEMIA, BETA TYPE. Last evaluated: 2023-05-20. Review status: criteria provided, single submitter. Criteria: ACMG Guidelines, 2015. Collection method: clinical testing. Allele origin: germline. Inheritance: Autosomal dominant inheritance. Affected: yes.
Comment: The missense variant c.320T>A(p.Leu107Gln) in HBB gene has been reported in patients affected with HBB related disorders (Philippe et. al., 1993; Kohne et. al., 1976). Functional studies shows that this missense change affects HBB gene function (Kohne et. al., 1976). The observed variant is absent in gnomAD exomes database. This variant has been submitted to the ClinVar database as Pathogenic. The amino acid change p.Leu107Gln in HBB is predicted as conserved by GERP++ and PhyloP across 100 vertebrates. Multiple lines of computational evidence (Polyphen - probably damaging , SIFT - damaging and MutationTaster - disease causing) predict a damaging effect on protein structure and function for this variant. The amino acid Leu at position 107 is changed to a Gln changing protein sequence and it might alter its composition and physico-chemical properties. For these reasons, this variant has been classified as Pathogenic.

OMIM
Classification: Pathogenic for HEMOGLOBIN TUBINGEN. Last evaluated: 1993-08-01. Review status: no assertion criteria provided. Collection method: literature only. Allele origin: germline. Not counted in ClinVar's aggregate classification.

Literature cited by the submitters: PubMed 1278400 (cited by OMIM); PubMed 8226097 (cited by OMIM).